The following is an entry in ClinVar:

ClinVar aggregate classification (germline): Uncertain significance. Review status: criteria provided, multiple submitters, no conflicts (2 of 4 stars). 3 submissions from 3 submitters: Uncertain significance (3). Last evaluated 2026-01-01.

Conditions:
Inborn genetic diseases. Identifiers: MedGen C0950123, MeSH D030342.
Dermatofibrosis lenticularis disseminata (BOS). Also called: DERMATOFIBROSIS LENTICULARIS DISSEMINATA WITH OSTEOPOIKILOSIS; DERMATOOSTEOPOIKILOSIS; OSTEOPATHIA CONDENSANS DISSEMINATA. Identifiers: Orphanet 1306, MedGen C0265514, MONDO:0008157, OMIM 166700.

Allele frequency attached by ClinVar (database versions not stated): gnomAD 0.00004; gnomAD exomes 0.00004 and 0.00005; ExAC 0.00007; ESP Exome Variant Server 0.00008.
gnomAD v4.1: 66 of 1,576,490 alleles (0.0042%); highest among the groups gnomAD compares: Non-Finnish European, 0.0055%; no homozygotes.

Submissions (3):

Labcorp Genetics (formerly Invitae), Labcorp
Classification: Uncertain significance. Last evaluated: 2026-01-01. Review status: criteria provided, single submitter. Criteria: Invitae Variant Classification Sherloc (09022015). Collection method: clinical testing. Allele origin: germline.
Comment: This sequence change replaces asparagine, which is neutral and polar, with serine, which is neutral and polar, at codon 529 of the LEMD3 protein (p.Asn529Ser). This variant is present in population databases (rs151256200, gnomAD 0.01%). This variant has not been reported in the literature in individuals affected with LEMD3-related conditions. ClinVar contains an entry for this variant (Variation ID: 881096). Invitae Evidence Modeling of protein sequence and biophysical properties (such as structural, functional, and spatial information, amino acid conservation, physicochemical variation, residue mobility, and thermodynamic stability) indicates that this missense variant is not expected to disrupt LEMD3 protein function with a negative predictive value of 80%. In summary, the available evidence is currently insufficient to determine the role of this variant in disease. Therefore, it has been classified as a Variant of Uncertain Significance.

Ambry Genetics
Classification: Uncertain significance for Inborn genetic diseases. Last evaluated: 2025-04-13. Review status: criteria provided, single submitter. Criteria: Ambry Variant Classification Scheme 2023. Collection method: clinical testing. Allele origin: germline.

Illumina Laboratory Services, Illumina
Classification: Uncertain significance for Dermatofibrosis lenticularis disseminata. Last evaluated: 2018-01-13. Review status: criteria provided, single submitter. Criteria: ICSL Variant Classification Criteria 13 December 2019. Collection method: clinical testing. Allele origin: germline.

NM_014319.5(LEMD3):c.1586A>G (p.Asn529Ser)

Gene: LEMD3 (LEM domain containing 3; plus strand). Cytogenetic location: 12q14.3.
Variant type: single nucleotide variant.
Coding change: c.1586A>G on transcript NM_014319.5 (MANE Select); coding-DNA position 1586, A replaced by G.
Protein change: p.Asn529Ser; replaces asparagine 529 with serine.
Molecular consequence: missense variant.
Genome position (GRCh38, 1-based): chr12:65,216,002, A>G. VCF-style: chr12-65216002-A-G. GRCh37 (hg19) VCF-style: chr12-65609782-A-G.
Other names: c.1583A>G, p.Asn528Ser (NM_001167614.2); short protein forms N528S, N529S.
Identifiers: ClinVar variation 881096 (VCV000881096.11), dbSNP rs151256200, ClinGen allele CA6670959.